The following is an entry in ClinVar:

NM_001243133.2(NLRP3):c.397+5G>A

Gene: NLRP3 (NLR family pyrin domain containing 3; plus strand). Cytogenetic location: 1q44.
Variant type: single nucleotide variant.
Coding change: c.397+5G>A on transcript NM_001243133.2 (MANE Select); 5 bases into the intron after coding-DNA position 397, G replaced by A.
Molecular consequence: intron variant.
Genome position (GRCh38, 1-based): chr1:247,423,354, G>A. VCF-style: chr1-247423354-G-A. GRCh37 (hg19) VCF-style: chr1-247586656-G-A.
Other names: c.403+5G>A (NM_004895.5); c.397+5G>A (NM_001127461.3, NM_001127462.3, NM_183395.3 and 1 more transcripts).
Identifiers: ClinVar variation 653385 (VCV000653385.6), dbSNP rs1232636611, ClinGen allele CA734165871.
Genomic context (GRCh38, chr1:247,423,354, plus strand): 5'-GTGGATGGGTTTACTGGAGTACCTTTCGAGAATCTCTATTTGTAAAATGAAGAAAGGTAA[G>A]CGACTGGGGTGGTGCTTCTAGTTGAGTTTTAAGACCTGGTTCAGGAGGCTCTGGGAAGCT-3'

ClinVar aggregate classification (germline): Uncertain significance (1 of 4 stars; one submission).

Conditions:
Cryopyrin associated periodic syndrome (CAPS). Identifiers: Orphanet 208650, MedGen C2316212, MONDO:0016168.

Allele frequency attached by ClinVar (database versions not stated): TOPMed 0.00001.
gnomAD v4.1: 1 of 1,613,906 alleles (0.000062%); highest among the groups gnomAD compares: Non-Finnish European, 0.000085%; no homozygotes.

Submission:

Labcorp Genetics (formerly Invitae), Labcorp
Classification: Uncertain significance for Cryopyrin associated periodic syndrome. Last evaluated: 2025-06-12. Review status: criteria provided, single submitter. Criteria: Invitae Variant Classification Sherloc (09022015). Collection method: clinical testing. Allele origin: germline.
Comment: This sequence change falls in intron 2 of the NLRP3 gene. It does not directly change the encoded amino acid sequence of the NLRP3 protein. It affects a nucleotide within the consensus splice site. This variant is not present in population databases (gnomAD no frequency). This variant has not been reported in the literature in individuals affected with NLRP3-related conditions. ClinVar contains an entry for this variant (Variation ID: 653385). Variants that disrupt the consensus splice site are a relatively common cause of aberrant splicing (PMID: 17576681, 9536098). Algorithms developed to predict the effect of sequence changes on RNA splicing suggest that this variant is not likely to affect RNA splicing. In summary, the available evidence is currently insufficient to determine the role of this variant in disease. Therefore, it has been classified as a Variant of Uncertain Significance.

Literature cited by the submitters: PubMed 17576681; PubMed 9536098.